The following is an entry in ClinVar:

NM_003619.4(PRSS12):c.966C>T (p.Gly322=)

Gene: PRSS12 (serine protease 12; minus strand). Cytogenetic location: 4q26.
Variant type: single nucleotide variant.
Coding change: c.966C>T on transcript NM_003619.4 (MANE Select); coding-DNA position 966, C replaced by T.
Protein change: p.Gly322=; no amino-acid change (glycine 322 retained).
Molecular consequence: synonymous variant.
Genome position (GRCh38, 1-based): chr4:118,331,721, G>A on the plus strand (C>T on the coding strand, the complement: PRSS12 is on the minus strand). VCF-style: chr4-118331721-G-A. GRCh37 (hg19) VCF-style: chr4-119252876-G-A.
Identifiers: ClinVar variation 736046 (VCV000736046.32), dbSNP rs144866250, ClinGen allele CA3055772.
Genomic context (GRCh38, chr4:118,331,721, plus strand): 5'-TATGGAAATAATAAGATTCAAAAGTTTAAGCAAAACAAGAGTAGTAAAAACAAACCTGAG[G>A]CCCAGCTGCCTGCAGATCACTTCTGCATCGGCATCATCCCATTGGTCATCACAAACGGTT-3'
Protein context (NP_003610.2, residues 312-332): ADAEVICRQL[Gly322=]LSGIAKAWHQ

ClinVar aggregate classification (germline): Conflicting classifications of pathogenicity. Review status: criteria provided, conflicting classifications (1 of 4 stars). 3 submissions from 3 submitters: Uncertain significance (1); Benign (1); Likely benign (1). Last evaluated 2026-01-01.

Conditions:
Intellectual developmental disorder, autosomal recessive 1. Also called: Intellectual disability, autosomal recessive 1; MENTAL RETARDATION, AUTOSOMAL RECESSIVE 1. Identifiers: Orphanet 88616, MedGen C1855304, MONDO:0009580, OMIM 249500.

Allele frequency attached by ClinVar (database versions not stated): gnomAD exomes 0.00025 and 0.00008; ESP Exome Variant Server 0.00115; gnomAD 0.00104 and 0.00116; ExAC 0.00026; 1000 Genomes Project 30x 0.00031; TOPMed 0.00102; 1000 Genomes Project 0.00040.
gnomAD v4.1: 269 of 1,613,998 alleles (0.017%); highest among the groups gnomAD compares: African/African-American, 0.34%; no homozygotes.

Submissions (3):

CeGaT Center for Human Genetics Tuebingen
Classification: Likely benign. Last evaluated: 2026-01-01. Review status: criteria provided, single submitter. Criteria: CeGaT Center For Human Genetics Tuebingen Variant Classification Criteria Version 2. Collection method: clinical testing. Allele origin: germline. Affected: yes. Observed: 2 variant alleles.
Comment: PRSS12: BP4, BP7

Labcorp Genetics (formerly Invitae), Labcorp
Classification: Benign. Last evaluated: 2019-12-31. Review status: criteria provided, single submitter. Criteria: Invitae Variant Classification Sherloc (09022015). Collection method: clinical testing. Allele origin: germline.

Illumina Laboratory Services, Illumina
Classification: Uncertain significance for Intellectual developmental disorder, autosomal recessive 1. Last evaluated: 2018-01-12. Review status: criteria provided, single submitter. Criteria: ICSL Variant Classification Criteria 13 December 2019. Collection method: clinical testing. Allele origin: germline.